The following is an entry in ClinVar:

ClinVar aggregate classification (germline): Uncertain significance (1 of 4 stars; one submission).

Conditions:
Noonan syndrome 8 (NS8). Identifiers: Orphanet 648, MedGen C3809233, MONDO:0014143, OMIM 615355.

Submission:

Labcorp Genetics (formerly Invitae), Labcorp
Classification: Uncertain significance for Noonan syndrome 8. Last evaluated: 2025-08-20. Review status: criteria provided, single submitter. Criteria: Invitae Variant Classification Sherloc (09022015). Collection method: clinical testing. Allele origin: germline.
Comment: This sequence change replaces glutamine, which is neutral and polar, with histidine, which is basic and polar, at codon 140 of the RIT1 protein (p.Gln140His). This variant is not present in population databases (gnomAD no frequency). This variant has not been reported in the literature in individuals affected with RIT1-related conditions. Invitae Evidence Modeling of protein sequence and biophysical properties (such as structural, functional, and spatial information, amino acid conservation, physicochemical variation, residue mobility, and thermodynamic stability) indicates that this missense variant is not expected to disrupt RIT1 protein function with a negative predictive value of 95%. In summary, the available evidence is currently insufficient to determine the role of this variant in disease. Therefore, it has been classified as a Variant of Uncertain Significance.

NM_006912.6(RIT1):c.420G>C (p.Gln140His)

Gene: RIT1 (Ras like without CAAX 1; minus strand). Cytogenetic location: 1q22.
Variant type: single nucleotide variant.
Coding change: c.420G>C on transcript NM_006912.6 (MANE Select); coding-DNA position 420, G replaced by C.
Protein change: p.Gln140His; replaces glutamine 140 with histidine.
Molecular consequence: missense variant.
Genome position (GRCh38, 1-based): chr1:155,904,320, C>G on the plus strand (G>C on the coding strand, the complement: RIT1 is on the minus strand). VCF-style: chr1-155904320-C-G. GRCh37 (hg19) VCF-style: chr1-155874111-C-G.
Other names: c.312G>C, p.Gln104His (NM_001256820.2); c.471G>C, p.Gln157His (NM_001256821.2); short protein forms Q104H, Q140H, Q157H.
Identifiers: ClinVar variation 4799946 (VCV004799946.1).
Genomic context (GRCh38, chr1:155,904,320, plus strand): 5'-AAATGACTAATTGTATAAGATTATAGACAGTATTTTCTTCTCTATCCTCACCTGTCTTAG[C>G]TGTTTGAGGTCTGACTTGTTTCCCACAAGAACCACAGGTGTATCGTCAGTACGTCGGACT-3'
Protein context (NP_008843.1, residues 130-150): VLVGNKSDLK[Gln140His]LRQVTKEEGL